The following is an entry in ClinVar:

NM_006389.5(HYOU1):c.2968C>G (p.Gln990Glu)

Gene: HYOU1 (hypoxia up-regulated 1; minus strand). Cytogenetic location: 11q23.3.
Variant type: single nucleotide variant.
Coding change: c.2968C>G on transcript NM_006389.5 (MANE Select); coding-DNA position 2968, C replaced by G.
Protein change: p.Gln990Glu; replaces glutamine 990 with glutamic acid.
Molecular consequence: missense variant.
Genome position (GRCh38, 1-based): chr11:119,045,625, G>C on the plus strand (C>G on the coding strand, the complement: HYOU1 is on the minus strand). VCF-style: chr11-119045625-G-C.
Other names: c.2968C>G, p.Gln990Glu (NM_001130991.3); c.2971C>G, p.Gln991Glu (NM_001411041.1); short protein forms Q991E, Q990E.
Identifiers: ClinVar variation 4707242 (VCV004707242.1).
Genomic context (GRCh38, chr11:119,045,625, plus strand): 5'-AGATGAATGGGGAAAACAGAGGTGGGGGTTATAGTTCGTCGTTCTTCAAAGGCCGCTTCT[G>C]TCCTGTCGATTGTTCTTTCTGTTCAGGTTCTGTTGGGAGTTTGGGGGAGCAAAGGAATCA-3'
Protein context (NP_006380.1, residues 980-999): EPEQKEQSTG[Gln990Glu]KRPLKNDEL

ClinVar aggregate classification (germline): Uncertain significance (1 of 4 stars; one submission).

gnomAD v4.1: 12 of 1,614,118 alleles (0.00074%); highest among the groups gnomAD compares: Admixed American, 0.0017%; no homozygotes.

Submission:

Labcorp Genetics (formerly Invitae), Labcorp
Classification: Uncertain significance. Last evaluated: 2025-04-11. Review status: criteria provided, single submitter. Criteria: Invitae Variant Classification Sherloc (09022015). Collection method: clinical testing. Allele origin: germline.
Comment: This sequence change replaces glutamine, which is neutral and polar, with glutamic acid, which is acidic and polar, at codon 990 of the HYOU1 protein (p.Gln990Glu). This variant is present in population databases (rs141977574, gnomAD 0.003%). This variant has not been reported in the literature in individuals affected with HYOU1-related conditions. An algorithm developed to predict the effect of missense changes on protein structure and function (PolyPhen-2) suggests that this variant is likely to be tolerated. In summary, the available evidence is currently insufficient to determine the role of this variant in disease. Therefore, it has been classified as a Variant of Uncertain Significance.